The following is an entry in ClinVar:

ClinVar aggregate classification (germline): Uncertain significance. Review status: criteria provided, multiple submitters, no conflicts (2 of 4 stars). 2 submissions from 2 submitters: Uncertain significance (2). Last evaluated 2024-10-07.

Allele frequency attached by ClinVar (database versions not stated): ExAC 0.00003; TOPMed 0.00003; gnomAD exomes 0.00001; gnomAD 0.00004; ESP Exome Variant Server 0.00015.
gnomAD v4.1: 23 of 1,613,964 alleles (0.0014%); highest among the groups gnomAD compares: African/African-American, 0.004%; no homozygotes.

Submissions (2):

Blueprint Genetics
Classification: Uncertain significance. Last evaluated: 2024-10-07. Review status: criteria provided, single submitter. Criteria: ACMG Guidelines, 2015. Collection method: clinical testing. Allele origin: germline.

Labcorp Genetics (formerly Invitae), Labcorp
Classification: Uncertain significance. Last evaluated: 2022-11-01. Review status: criteria provided, single submitter. Criteria: Invitae Variant Classification Sherloc (09022015). Collection method: clinical testing. Allele origin: germline.
Comment: This sequence change replaces glycine, which is neutral and non-polar, with glutamic acid, which is acidic and polar, at codon 981 of the SZT2 protein (p.Gly981Glu). This variant is present in population databases (rs149155606, gnomAD 0.008%). This variant has not been reported in the literature in individuals affected with SZT2-related conditions. ClinVar contains an entry for this variant (Variation ID: 665242). Advanced modeling of protein sequence and biophysical properties (such as structural, functional, and spatial information, amino acid conservation, physicochemical variation, residue mobility, and thermodynamic stability) performed at Invitae indicates that this missense variant is not expected to disrupt SZT2 protein function. In summary, the available evidence is currently insufficient to determine the role of this variant in disease. Therefore, it has been classified as a Variant of Uncertain Significance.

NM_001365999.1(SZT2):c.2942G>A (p.Gly981Glu)

Gene: SZT2 (SZT2 subunit of KICSTOR complex; plus strand). Cytogenetic location: 1p34.2.
Variant type: single nucleotide variant.
Coding change: c.2942G>A on transcript NM_001365999.1 (MANE Select); coding-DNA position 2942, G replaced by A.
Protein change: p.Gly981Glu; replaces glycine 981 with glutamic acid.
Molecular consequence: missense variant.
Genome position (GRCh38, 1-based): chr1:43,426,050, G>A. VCF-style: chr1-43426050-G-A. GRCh37 (hg19) VCF-style: chr1-43891721-G-A.
Other names: c.2942G>A, p.Gly981Glu (NM_015284.4); short protein forms G981E.
Identifiers: ClinVar variation 665242 (VCV000665242.7), dbSNP rs149155606, ClinGen allele CA808868.